The following is an entry in ClinVar:

NM_145064.3(STAC3):c.932A>G (p.His311Arg)

Gene: STAC3 (SH3 and cysteine rich domain 3; minus strand). Cytogenetic location: 12q13.3.
Variant type: single nucleotide variant.
Coding change: c.932A>G on transcript NM_145064.3 (MANE Select); coding-DNA position 932, A replaced by G.
Protein change: p.His311Arg; replaces histidine 311 with arginine.
Molecular consequence: missense variant. On other transcripts: non-coding transcript variant (1).
Genome position (GRCh38, 1-based): chr12:57,244,152, T>C on the plus strand (A>G on the coding strand, the complement: STAC3 is on the minus strand). VCF-style: chr12-57244152-T-C. GRCh37 (hg19) VCF-style: chr12-57637935-T-C.
Other names: c.815A>G, p.His272Arg (NM_001286256.2); c.374A>G, p.His125Arg (NM_001286257.2); short protein forms H311R, H125R, H272R.
Identifiers: ClinVar variation 465661 (VCV000465661.9), dbSNP rs1555193817, ClinGen allele CA385410486.
Genomic context (GRCh38, chr12:57,244,152, plus strand): 5'-TCCTTCTTGAGAGTGATCTGCCCTATCTCGCGGTTCCCCACGAAGGATCTCGTCACGCGG[T>C]GCACACGTTCTCCAGCCCGGACCCGAATGATGAAGTTTGGAGGGAAAAATCCGACCTTCT-3'
Protein context (NP_659501.1, residues 301-321): IIRVRAGERV[His311Arg]RVTRSFVGNR

ClinVar aggregate classification (germline): Uncertain significance (1 of 4 stars; one submission).

Conditions:
Bailey-Bloch congenital myopathy (CMYO13). Also called: Native American myopathy; STAC3 disorder; Congenital myopathy 13. Identifiers: Orphanet 168572, MedGen C1850625, MONDO:0009722, OMIM 255995.

Allele frequency attached by ClinVar (database versions not stated): gnomAD exomes below 0.00001.

Submission:

Labcorp Genetics (formerly Invitae), Labcorp
Classification: Uncertain significance for Bailey-Bloch congenital myopathy. Last evaluated: 2022-09-27. Review status: criteria provided, single submitter. Criteria: Invitae Variant Classification Sherloc (09022015). Collection method: clinical testing. Allele origin: germline.
Comment: ClinVar contains an entry for this variant (Variation ID: 465661). This sequence change replaces histidine, which is basic and polar, with arginine, which is basic and polar, at codon 311 of the STAC3 protein (p.His311Arg). This variant is not present in population databases (gnomAD no frequency). This variant has not been reported in the literature in individuals affected with STAC3-related conditions. Advanced modeling of protein sequence and biophysical properties (such as structural, functional, and spatial information, amino acid conservation, physicochemical variation, residue mobility, and thermodynamic stability) performed at Invitae indicates that this missense variant is not expected to disrupt STAC3 protein function. In summary, the available evidence is currently insufficient to determine the role of this variant in disease. Therefore, it has been classified as a Variant of Uncertain Significance.